The following is an entry in ClinVar:

NM_001134407.3(GRIN2A):c.3693dup (p.Ser1232fs)

Gene: GRIN2A (glutamate ionotropic receptor NMDA type subunit 2A; minus strand). Cytogenetic location: 16p13.2.
Variant type: Duplication.
Coding change: c.3693dup on transcript NM_001134407.3 (MANE Select); coding-DNA position 3693, one base duplicated (G; older notation c.3693dupG).
Protein change: p.Ser1232fs; shifts the reading frame from serine 1232.
Molecular consequence: frameshift variant.
Genome position (GRCh38, 1-based): chr16:9,763,851, C duplicated on the plus strand (G on the coding strand, the reverse complement: GRIN2A is on the minus strand); the first of 2 consecutive C bases (chr16:9,763,851-9,763,852); duplicating either gives the same sequence. VCF-style (leftmost placement, unchanged base first): chr16-9763850-A-AC. GRCh37 (hg19) VCF-style: chr16-9857707-A-AC.
Other names: c.3693dup, p.Ser1232fs (NM_000833.5, NM_001134408.2); short protein forms S1232fs.
Identifiers: ClinVar variation 1454126 (VCV001454126.6), dbSNP rs2141130040, ClinGen allele CA2573152116.

ClinVar aggregate classification (germline): Pathogenic (1 of 4 stars; one submission).

Conditions:
Landau-Kleffner syndrome (FESD). Also called: EPILEPSY, FOCAL, WITH SPEECH DISORDER AND WITH OR WITHOUT MENTAL RETARDATION; APHASIA, ACQUIRED, WITH EPILEPSY. Identifiers: Orphanet 1945, Orphanet 725, Orphanet 98818, MedGen C0282512, MONDO:0009509, OMIM 245570.

Submission:

Labcorp Genetics (formerly Invitae), Labcorp
Classification: Pathogenic for Landau-Kleffner syndrome. Last evaluated: 2025-09-07. Review status: criteria provided, single submitter. Criteria: Invitae Variant Classification Sherloc (09022015). Collection method: clinical testing. Allele origin: germline.
Comment: This sequence change creates a premature translational stop signal (p.Ser1232Valfs*16) in the GRIN2A gene. While this is not anticipated to result in nonsense mediated decay, it is expected to disrupt the last 233 amino acid(s) of the GRIN2A protein. This variant is not present in population databases (gnomAD no frequency). This variant has not been reported in the literature in individuals affected with GRIN2A-related conditions. ClinVar contains an entry for this variant (Variation ID: 1454126). This variant disrupts a region of the GRIN2A protein in which other variant(s) (p.Trp1271*) have been determined to be pathogenic (PMID: 29961510). This suggests that this is a clinically significant region of the protein, and that variants that disrupt it are likely to be disease-causing. For these reasons, this variant has been classified as Pathogenic.

Literature cited by the submitters: PubMed 29961510.